The following is an entry in ClinVar:

ClinVar aggregate classification (germline): Benign/Likely benign. Review status: criteria provided, multiple submitters, no conflicts (2 of 4 stars). 3 submissions from 3 submitters: Benign (1); Likely benign (1). 1 of the submissions does not count toward it. Last evaluated 2026-01-05.

Conditions:
FAT1-related disorder. Also called: FAT1-related condition.

Allele frequency attached by ClinVar (database versions not stated): gnomAD exomes 0.00017 and 0.00060; gnomAD 0.00021 and 0.00029; TOPMed 0.00053; ExAC 0.00065; 1000 Genomes Project 30x 0.00125; 1000 Genomes Project 0.00160.
gnomAD v4.1: 305 of 1,614,026 alleles (0.019%); highest among the groups gnomAD compares: East Asian, 0.47%; 1 homozygote.

Submissions (3):

Labcorp Genetics (formerly Invitae), Labcorp
Classification: Benign. Last evaluated: 2026-01-05. Review status: criteria provided, single submitter. Criteria: Invitae Variant Classification Sherloc (09022015). Collection method: clinical testing. Allele origin: germline.

CeGaT Center for Human Genetics Tuebingen
Classification: Likely benign. Last evaluated: 2025-10-01. Review status: criteria provided, single submitter. Criteria: CeGaT Center For Human Genetics Tuebingen Variant Classification Criteria Version 2. Collection method: clinical testing. Allele origin: germline. Affected: yes. Observed: 1 variant allele.
Comment: FAT1: BP4

PreventionGenetics, part of Exact Sciences
Classification: Benign for FAT1-related condition. Last evaluated: 2019-08-22. Review status: no assertion criteria provided. Collection method: clinical testing. Allele origin: germline. Not counted in ClinVar's aggregate classification.
Comment: This variant is classified as benign based on ACMG/AMP sequence variant interpretation guidelines (Richards et al. 2015 PMID: 25741868, with internal and published modifications).

NM_005245.4(FAT1):c.8465T>C (p.Leu2822Pro)

Genes: FAT1 (FAT atypical cadherin 1; minus strand), LOC126807255 (BRD4-independent group 4 enhancer GRCh37_chr4:187538202-187539401; plus strand). Cytogenetic location: 4q35.2.
Variant type: single nucleotide variant.
Coding change: c.8465T>C on transcript NM_005245.4 (MANE Select); coding-DNA position 8465, T replaced by C.
Protein change: p.Leu2822Pro; replaces leucine 2822 with proline.
Molecular consequence: missense variant.
Genome position (GRCh38, 1-based): chr4:186,618,121, A>G on the plus strand (T>C on the coding strand, the complement: FAT1 is on the minus strand). VCF-style: chr4-186618121-A-G. GRCh37 (hg19) VCF-style: chr4-187539275-A-G.
Other names: c.8465T>C (NM_005245.3); short protein forms L2822P.
Identifiers: ClinVar variation 1534975 (VCV001534975.16), dbSNP rs144689051, ClinGen allele CA3165878.